The following is an entry in ClinVar:

NM_001033046.4(CYBC1):c.241A>G (p.Lys81Glu)

Gene: CYBC1 (cytochrome b-245 chaperone 1; minus strand). Cytogenetic location: 17q25.3.
Variant type: single nucleotide variant.
Coding change: c.241A>G on transcript NM_001033046.4 (MANE Select); coding-DNA position 241, A replaced by G.
Protein change: p.Lys81Glu; replaces lysine 81 with glutamic acid.
Molecular consequence: missense variant. On other transcripts: non-coding transcript variant (4).
Genome position (GRCh38, 1-based): chr17:82,445,921, T>C on the plus strand (A>G on the coding strand, the complement: CYBC1 is on the minus strand). VCF-style: chr17-82445921-T-C. GRCh37 (hg19) VCF-style: chr17-80403797-T-C.
Other names: c.241A>G, p.Lys81Glu (NM_001100407.3, NM_001193653.2, NM_001193654.2 and 2 more transcripts); c.199A>G, p.Lys67Glu (NM_001100408.3); short protein forms K67E, K81E.
Identifiers: ClinVar variation 1682720 (VCV001682720.4), dbSNP rs113102022, ClinGen allele CA8858294.
Genomic context (GRCh38, chr17:82,445,921, plus strand): 5'-CACCCTGGTCGTGGCCAGCTCTGAAAAGAGTCAGCAGCTTCTTGTAGAGGCTGAACGTCT[T>C]CAAAACAACCTTCCCTGTGCTCTTGTCGAAGATGGCTTCCTGGAAACCGACATGCACTGA-3'
Protein context (NP_001028218.1, residues 71-91): FDKSTGKVVL[Lys81Glu]TFSLYKKLLT

ClinVar aggregate classification (germline): Uncertain significance (1 of 4 stars; one submission).

Allele frequency attached by ClinVar (database versions not stated): gnomAD exomes 0.00002 and 0.00003; ExAC 0.00004; TOPMed 0.00005; gnomAD 0.00007 and 0.00011; ESP Exome Variant Server 0.00008; 1000 Genomes Project 30x 0.00031; 1000 Genomes Project 0.00040.
gnomAD v4.1: 68 of 1,613,834 alleles (0.0042%); highest among the groups gnomAD compares: African/African-American, 0.068%; no homozygotes.

Submission:

Labcorp Genetics (formerly Invitae), Labcorp
Classification: Uncertain significance. Last evaluated: 2024-12-16. Review status: criteria provided, single submitter. Criteria: Invitae Variant Classification Sherloc (09022015). Collection method: clinical testing. Allele origin: germline.
Comment: This sequence change replaces lysine, which is basic and polar, with glutamic acid, which is acidic and polar, at codon 81 of the C17orf62 protein (p.Lys81Glu). This variant is present in population databases (rs113102022, gnomAD 0.03%). This variant has not been reported in the literature in individuals affected with C17orf62-related conditions. ClinVar contains an entry for this variant (Variation ID: 1682720). An algorithm developed to predict the effect of missense changes on protein structure and function (PolyPhen-2) suggests that this variant is likely to be disruptive. In summary, the available evidence is currently insufficient to determine the role of this variant in disease. Therefore, it has been classified as a Variant of Uncertain Significance.